The following is an entry in ClinVar:

NM_032383.5(HPS3):c.313T>G (p.Cys105Gly)

Gene: HPS3 (HPS3 biogenesis of lysosomal organelles complex 2 subunit 1; plus strand). Cytogenetic location: 3q24.
Variant type: single nucleotide variant.
Coding change: c.313T>G on transcript NM_032383.5 (MANE Select); coding-DNA position 313, T replaced by G.
Protein change: p.Cys105Gly; replaces cysteine 105 with glycine.
Molecular consequence: missense variant. On other transcripts: intron variant (1).
Genome position (GRCh38, 1-based): chr3:149,140,099, T>G. VCF-style: chr3-149140099-T-G. GRCh37 (hg19) VCF-style: chr3-148857886-T-G.
Other names: c.218-918T>G (NM_001308258.2); short protein forms C105G.
Identifiers: ClinVar variation 1439574 (VCV001439574.5), dbSNP rs139678546, ClinGen allele CA2659778.
Genomic context (GRCh38, chr3:149,140,099, plus strand): 5'-GCTACATTTCTACGTGCTTATGTGAACTGGAGAAATAAAAGGACTGAAAACTCTCGTGTG[T>G]GTATCCGAATGATTGGGCATAATGTGGAGGGACCATTCAGCAAAGCCTTCAGAGACCAGA-3'
Protein context (NP_115759.2, residues 95-115): RNKRTENSRV[Cys105Gly]IRMIGHNVEG

ClinVar aggregate classification (germline): Uncertain significance (1 of 4 stars; one submission).

Allele frequency attached by ClinVar (database versions not stated): gnomAD exomes below 0.00001 and 0.00001; ExAC 0.00001; TOPMed 0.00003; ESP Exome Variant Server 0.00008.
gnomAD v4.1: 19 of 1,613,182 alleles (0.0012%); highest among the groups gnomAD compares: African/African-American, 0.004%; no homozygotes.

Submission:

Labcorp Genetics (formerly Invitae), Labcorp
Classification: Uncertain significance. Last evaluated: 2021-08-30. Review status: criteria provided, single submitter. Criteria: Invitae Variant Classification Sherloc (09022015). Collection method: clinical testing. Allele origin: germline.
Comment: This sequence change replaces cysteine with glycine at codon 105 of the HPS3 protein (p.Cys105Gly). The cysteine residue is moderately conserved and there is a large physicochemical difference between cysteine and glycine. This variant is present in population databases (rs139678546, ExAC 0.002%). This variant has not been reported in the literature in individuals affected with HPS3-related conditions. Algorithms developed to predict the effect of missense changes on protein structure and function are either unavailable or do not agree on the potential impact of this missense change (SIFT: "Tolerated"; PolyPhen-2: "Probably Damaging"; Align-GVGD: "Class C0"). In summary, the available evidence is currently insufficient to determine the role of this variant in disease. Therefore, it has been classified as a Variant of Uncertain Significance.